The following is an entry in ClinVar:

ClinVar aggregate classification (germline): Uncertain significance (1 of 4 stars; one submission).

Allele frequency attached by ClinVar (database versions not stated): gnomAD exomes below 0.00001.
gnomAD v4.1: 1 of 1,613,930 alleles (0.000062%); highest among the groups gnomAD compares: Non-Finnish European, 0.000085%; no homozygotes.

Submission:

GeneDx
Classification: Uncertain significance. Last evaluated: 2025-01-07. Review status: criteria provided, single submitter. Criteria: GeneDx Variant Classification Process June 2021. Collection method: clinical testing. Allele origin: germline. Affected: yes.
Comment: Not observed at significant frequency in large population cohorts (gnomAD); In silico analysis indicates that this missense variant does not alter protein structure/function; Has not been previously published as pathogenic or benign to our knowledge

NM_000751.3(CHRND):c.404A>G (p.His135Arg)

Gene: CHRND (cholinergic receptor nicotinic delta subunit; plus strand). Cytogenetic location: 2q37.1.
Variant type: single nucleotide variant.
Coding change: c.404A>G on transcript NM_000751.3 (MANE Select); coding-DNA position 404, A replaced by G.
Protein change: p.His135Arg; replaces histidine 135 with arginine.
Molecular consequence: missense variant.
Genome position (GRCh38, 1-based): chr2:232,528,551, A>G. VCF-style: chr2-232528551-A-G. GRCh37 (hg19) VCF-style: chr2-233393261-A-G.
Other names: c.359A>G, p.His120Arg (NM_001256657.2); c.133A>G, p.Thr45Ala (NM_001311195.2); c.101A>G, p.His34Arg (NM_001311196.2); short protein forms H120R, H135R, H34R, T45A.
Identifiers: ClinVar variation 1311717 (VCV001311717.3), dbSNP rs2106208570, ClinGen allele CA350997948.